The following is an entry in ClinVar:

ClinVar aggregate classification (germline): Uncertain significance. Review status: criteria provided, multiple submitters, no conflicts (2 of 4 stars). 2 submissions from 2 submitters: Uncertain significance (2). Last evaluated 2025-08-09.

gnomAD v4.1: 31 of 1,607,056 alleles (0.0019%); highest among the groups gnomAD compares: African/African-American, 0.0027%; no homozygotes.

Submissions (2):

Ambry Genetics
Classification: Uncertain significance. Last evaluated: 2025-08-09. Review status: criteria provided, single submitter. Criteria: Ambry Variant Classification Scheme 2023. Collection method: clinical testing. Allele origin: germline.

Labcorp Genetics (formerly Invitae), Labcorp
Classification: Uncertain significance. Last evaluated: 2025-06-12. Review status: criteria provided, single submitter. Criteria: Invitae Variant Classification Sherloc (09022015). Collection method: clinical testing. Allele origin: germline.
Comment: This sequence change replaces arginine, which is basic and polar, with leucine, which is neutral and non-polar, at codon 753 of the FUK protein (p.Arg753Leu). This variant is present in population databases (no rsID available, gnomAD 0.004%). This variant has not been reported in the literature in individuals affected with FUK-related conditions. ClinVar contains an entry for this variant (Variation ID: 3604654). An algorithm developed to predict the effect of missense changes on protein structure and function (PolyPhen-2) suggests that this variant is likely to be tolerated. In summary, the available evidence is currently insufficient to determine the role of this variant in disease. Therefore, it has been classified as a Variant of Uncertain Significance.

NM_145059.3(FCSK):c.2258G>T (p.Arg753Leu)

Gene: FCSK (fucose kinase; plus strand). Cytogenetic location: 16q22.1.
Variant type: single nucleotide variant.
Coding change: c.2258G>T on transcript NM_145059.3 (MANE Select); coding-DNA position 2258, G replaced by T.
Protein change: p.Arg753Leu; replaces arginine 753 with leucine.
Molecular consequence: missense variant.
Genome position (GRCh38, 1-based): chr16:70,474,892, G>T. VCF-style: chr16-70474892-G-T. GRCh37 (hg19) VCF-style: chr16-70508795-G-T.
Other names: c.2258G>T (NM_145059.2); short protein forms R753L.
Identifiers: ClinVar variation 3604654 (VCV003604654.3).